The following is an entry in ClinVar:

ClinVar aggregate classification (germline): Uncertain significance (1 of 4 stars; one submission).

Allele frequency attached by ClinVar (database versions not stated): gnomAD exomes below 0.00001 and 0.00001; TOPMed 0.00001; ExAC 0.00002.
gnomAD v4.1: 3 of 1,614,186 alleles (0.00019%); highest among the groups gnomAD compares: Admixed American, 0.0033%; no homozygotes.

Submission:

Labcorp Genetics (formerly Invitae), Labcorp
Classification: Uncertain significance. Last evaluated: 2021-05-19. Review status: criteria provided, single submitter. Criteria: Invitae Variant Classification Sherloc (09022015). Collection method: clinical testing. Allele origin: germline.
Comment: In summary, the available evidence is currently insufficient to determine the role of this variant in disease. Therefore, it has been classified as a Variant of Uncertain Significance. Algorithms developed to predict the effect of missense changes on protein structure and function output the following: SIFT: "Tolerated"; PolyPhen-2: "Benign"; Align-GVGD: "Class C0". The aspartic acid amino acid residue is found in multiple mammalian species, suggesting that this missense change does not adversely affect protein function. These predictions have not been confirmed by published functional studies and their clinical significance is uncertain. This variant has not been reported in the literature in individuals with REST-related conditions. This variant is present in population databases (rs759296836, ExAC 0.02%). This sequence change replaces asparagine with aspartic acid at codon 871 of the REST protein (p.Asn871Asp). The asparagine residue is moderately conserved and there is a small physicochemical difference between asparagine and aspartic acid.

NM_005612.5(REST):c.2611A>G (p.Asn871Asp)

Gene: REST (RE1 silencing transcription factor; plus strand). Cytogenetic location: 4q12.
Variant type: single nucleotide variant.
Coding change: c.2611A>G on transcript NM_005612.5 (MANE Select); coding-DNA position 2611, A replaced by G.
Protein change: p.Asn871Asp; replaces asparagine 871 with aspartic acid.
Molecular consequence: missense variant.
Genome position (GRCh38, 1-based): chr4:56,931,469, A>G. VCF-style: chr4-56931469-A-G. GRCh37 (hg19) VCF-style: chr4-57797635-A-G.
Other names: c.2611A>G, p.Asn871Asp (NM_001193508.2, NM_001363453.3); short protein forms N871D.
Identifiers: ClinVar variation 1440015 (VCV001440015.8), dbSNP rs759296836, ClinGen allele CA2932522.